The following is an entry in ClinVar:

NM_199355.4(ADAMTS18):c.3625T>G (p.Tyr1209Asp)

Gene: ADAMTS18 (ADAM metallopeptidase with thrombospondin type 1 motif 18; minus strand). Cytogenetic location: 16q23.1.
Variant type: single nucleotide variant.
Coding change: c.3625T>G on transcript NM_199355.4 (MANE Select); coding-DNA position 3625, T replaced by G.
Protein change: p.Tyr1209Asp; replaces tyrosine 1209 with aspartic acid.
Molecular consequence: missense variant.
Genome position (GRCh38, 1-based): chr16:77,283,997, A>C on the plus strand (T>G on the coding strand, the complement: ADAMTS18 is on the minus strand). VCF-style: chr16-77283997-A-C. GRCh37 (hg19) VCF-style: chr16-77317894-A-C.
Other names: c.3109T>G, p.Tyr1037Asp (NM_001326358.2); short protein forms Y1037D, Y1209D.
Identifiers: ClinVar variation 939891 (VCV000939891.8), dbSNP rs2055198504, ClinGen allele CA396829389.

ClinVar aggregate classification (germline): Uncertain significance (1 of 4 stars; one submission).

Submission:

Labcorp Genetics (formerly Invitae), Labcorp
Classification: Uncertain significance. Last evaluated: 2019-07-15. Review status: criteria provided, single submitter. Criteria: Invitae Variant Classification Sherloc (09022015). Collection method: clinical testing. Allele origin: germline.
Comment: This sequence change replaces tyrosine with aspartate at codon 1209 of the ADAMTS18 protein (p.Tyr1209Asp). The tyrosine residue is highly conserved and there is a large physicochemical difference between tyrosine and aspartate. This variant is not present in population databases (ExAC no frequency). This variant has not been reported in the literature in individuals with ADAMTS18-related conditions. Algorithms developed to predict the effect of missense changes on protein structure and function are either unavailable or do not agree on the potential impact of this missense change (SIFT: "Deleterious"; PolyPhen-2: "Probably Damaging"; Align-GVGD: "Class C0"). In summary, the available evidence is currently insufficient to determine the role of this variant in disease. Therefore, it has been classified as a Variant of Uncertain Significance.